The following is an entry in ClinVar:

ClinVar aggregate classification (germline): Uncertain significance (1 of 4 stars; one submission).

Conditions:
Arrhythmogenic cardiomyopathy with wooly hair and keratoderma. Also called: Carvajal syndrome; PALMOPLANTAR KERATODERMA WITH LEFT VENTRICULAR CARDIOMYOPATHY AND WOOLLY HAIR; Dilated cardiomyopathy with woolly hair and keratoderma; Arrhythmogenic cardiomyopathy with woolly hair and keratoderma. Identifiers: Orphanet 65282, MedGen C1854063, MONDO:0011581, OMIM 605676.
Arrhythmogenic right ventricular dysplasia 8 (ARVD8). Also called: Arrhythmogenic Right Ventricular Dysplasia/Cardiomyopathy 8; ARRHYTHMOGENIC RIGHT VENTRICULAR DYSPLASIA, FAMILIAL, 8; ARRHYTHMOGENIC RIGHT VENTRICULAR CARDIOMYOPATHY 8. Identifiers: MedGen C1843896, MONDO:0011831, OMIM 607450.

gnomAD v4.1: 1 of 1,614,202 alleles (0.000062%); highest among the groups gnomAD compares: African/African-American, 0.0013%; no homozygotes.

Submission:

Labcorp Genetics (formerly Invitae), Labcorp
Classification: Uncertain significance for Arrhythmogenic cardiomyopathy with wooly hair and keratoderma; Arrhythmogenic right ventricular dysplasia 8. Last evaluated: 2025-12-01. Review status: criteria provided, single submitter. Criteria: Invitae Variant Classification Sherloc (09022015). Collection method: clinical testing. Allele origin: germline.
Comment: This sequence change replaces threonine, which is neutral and polar, with serine, which is neutral and polar, at codon 2595 of the DSP protein (p.Thr2595Ser). This variant is not present in population databases (gnomAD no frequency). This variant has not been reported in the literature in individuals affected with DSP-related conditions. An algorithm developed to predict the effect of missense changes on protein structure and function outputs the following: PolyPhen-2: "Benign". The serine amino acid residue is found in multiple mammalian species, which suggests that this missense change does not adversely affect protein function. In summary, the available evidence is currently insufficient to determine the role of this variant in disease. Therefore, it has been classified as a Variant of Uncertain Significance.

NM_004415.4(DSP):c.7784C>G (p.Thr2595Ser)

Gene: DSP (desmoplakin; plus strand). Cytogenetic location: 6p24.3.
Variant type: single nucleotide variant.
Coding change: c.7784C>G on transcript NM_004415.4 (MANE Select); coding-DNA position 7784, C replaced by G.
Protein change: p.Thr2595Ser; replaces threonine 2595 with serine.
Molecular consequence: missense variant.
Genome position (GRCh38, 1-based): chr6:7,585,046, C>G. VCF-style: chr6-7585046-C-G. GRCh37 (hg19) VCF-style: chr6-7585279-C-G.
Other names: c.5987C>G, p.Thr1996Ser (NM_001008844.3); c.6455C>G, p.Thr2152Ser (NM_001319034.2); short protein forms T2595S, T1996S, T2152S.
Identifiers: ClinVar variation 4786879 (VCV004786879.1).